The following is an entry in ClinVar:

ClinVar aggregate classification (germline): Uncertain significance (1 of 4 stars; one submission).

Conditions:
Autosomal dominant hypocalcemia 1 (HYPOC1). Also called: HYPOCALCEMIA, FAMILIAL. Identifiers: MedGen C3715128, MONDO:0011013, OMIM 601198.
Familial hypocalciuric hypercalcemia (FHH). Also called: Familial benign hypercalcemia. Identifiers: Orphanet 405, MedGen C1809471, MONDO:0018458.

Submission:

Labcorp Genetics (formerly Invitae), Labcorp
Classification: Uncertain significance for Familial hypocalciuric hypercalcemia; Autosomal dominant hypocalcemia 1. Last evaluated: 2023-06-22. Review status: criteria provided, single submitter. Criteria: Invitae Variant Classification Sherloc (09022015). Collection method: clinical testing. Allele origin: germline.
Comment: In summary, the available evidence is currently insufficient to determine the role of this variant in disease. Therefore, it has been classified as a Variant of Uncertain Significance. An algorithm developed to predict the effect of missense changes on protein structure and function (PolyPhen-2) suggests that this variant is likely to be tolerated. This variant has not been reported in the literature in individuals affected with CASR-related conditions. This variant is not present in population databases (gnomAD no frequency). This sequence change replaces asparagine, which is neutral and polar, with aspartic acid, which is acidic and polar, at codon 400 of the CASR protein (p.Asn400Asp).

NM_000388.4(CASR):c.1198A>G (p.Asn400Asp)

Gene: CASR (calcium sensing receptor; plus strand). Cytogenetic location: 3q21.1.
Variant type: single nucleotide variant.
Coding change: c.1198A>G on transcript NM_000388.4 (MANE Select); coding-DNA position 1198, A replaced by G.
Protein change: p.Asn400Asp; replaces asparagine 400 with aspartic acid.
Molecular consequence: missense variant.
Genome position (GRCh38, 1-based): chr3:122,262,233, A>G. VCF-style: chr3-122262233-A-G. GRCh37 (hg19) VCF-style: chr3-121981080-A-G.
Other names: c.1198A>G, p.Asn400Asp (NM_001178065.2); short protein forms N400D.
Identifiers: ClinVar variation 2949152 (VCV002949152.3), dbSNP rs1255825937, ClinGen allele CA354152799.